The following is an entry in ClinVar:

ClinVar aggregate classification (germline): Uncertain significance (1 of 4 stars; one submission).

Allele frequency attached by ClinVar (database versions not stated): gnomAD exomes below 0.00001; ExAC 0.00002.
gnomAD v4.1: 1 of 1,577,572 alleles (0.000063%); highest among the groups gnomAD compares: Admixed American, 0.0017%; no homozygotes.

Submission:

GeneDx
Classification: Uncertain significance. Last evaluated: 2022-01-21. Review status: criteria provided, single submitter. Criteria: GeneDx Variant Classification Process June 2021. Collection method: clinical testing. Allele origin: germline. Affected: yes.
Comment: In silico analysis supports that this missense variant does not alter protein structure/function; Has not been previously published as pathogenic or benign to our knowledge

NM_017635.5(KMT5B):c.367A>T (p.Asn123Tyr)

Gene: KMT5B (lysine methyltransferase 5B; minus strand). Cytogenetic location: 11q13.2.
Variant type: single nucleotide variant.
Coding change: c.367A>T on transcript NM_017635.5 (MANE Select); coding-DNA position 367, A replaced by T.
Protein change: p.Asn123Tyr; replaces asparagine 123 with tyrosine.
Molecular consequence: missense variant. On other transcripts: 5 prime UTR variant (8), non-coding transcript variant (3), intron variant (2).
Genome position (GRCh38, 1-based): chr11:68,180,142, T>A on the plus strand (A>T on the coding strand, the complement: KMT5B is on the minus strand). VCF-style: chr11-68180142-T-A. GRCh37 (hg19) VCF-style: chr11-67947609-T-A.
Other names: c.-218A>T (NM_001300907.1); c.-301A>T (NM_001300908.2); c.367A>T, p.Asn123Tyr (NM_001363566.2, NM_001369426.1, NM_001369427.1 and 1 more transcripts); c.-297A>T (NM_001369424.1, NM_001369431.1, NM_001369432.1); c.154A>T, p.Asn52Tyr (NM_001369425.1); c.-511A>T (NM_001369428.1); c.-150A>T (NM_001369429.1); c.-812A>T (NM_001369433.1); and 2 more; short protein forms N123Y, N52Y.
Identifiers: ClinVar variation 1698071 (VCV001698071.2), dbSNP rs755643078, ClinGen allele CA6148449.
Genomic context (GRCh38, chr11:68,180,142, plus strand): 5'-GCTAGAATGGGTTAGTCAGTATCTCATTGTTTTTAACACACACTACCTACCTCACAGGGT[T>A]GTTGTGAGAAAAACTGTCAGATTTTGAAAAATGCCTTGAGCTCCTCGAAGGAAAGGCGCT-3'
Protein context (NP_060105.3, residues 113-133): FSKSDSFSHN[Asn123Tyr]PVRFRPIKGR